The following is an entry in ClinVar:

NM_004064.5(CDKN1B):c.286A>C (p.Lys96Gln)

Gene: CDKN1B (cyclin dependent kinase inhibitor 1B; plus strand). Cytogenetic location: 12p13.1.
Variant type: single nucleotide variant.
Coding change: c.286A>C on transcript NM_004064.5 (MANE Select); coding-DNA position 286, A replaced by C.
Protein change: p.Lys96Gln; replaces lysine 96 with glutamine.
Molecular consequence: missense variant.
Genome position (GRCh38, 1-based): chr12:12,718,125, A>C. VCF-style: chr12-12718125-A-C. GRCh37 (hg19) VCF-style: chr12-12871059-A-C.
Other names: short protein forms K96Q.
Identifiers: ClinVar variation 4709921 (VCV004709921.1).
Genomic context (GRCh38, chr12:12,718,125, plus strand): 5'-TGGCAAGAGGTGGAGAAGGGCAGCTTGCCCGAGTTCTACTACAGACCCCCGCGGCCCCCC[A>C]AAGGTGCCTGCAAGGTGCCGGCGCAGGAGAGCCAGGATGTCAGCGGGAGCCGCCCGGCGG-3'
Protein context (NP_004055.1, residues 86-106): EFYYRPPRPP[Lys96Gln]GACKVPAQES

ClinVar aggregate classification (germline): Uncertain significance (1 of 4 stars; one submission).

Conditions:
Multiple endocrine neoplasia type 4. Also called: MULTIPLE ENDOCRINE NEOPLASIA, TYPE IV. Identifiers: Orphanet 276152, MedGen C1970712, MONDO:0012552, OMIM 610755.

Submission:

Labcorp Genetics (formerly Invitae), Labcorp
Classification: Uncertain significance for Multiple endocrine neoplasia type 4. Last evaluated: 2025-09-02. Review status: criteria provided, single submitter. Criteria: Invitae Variant Classification Sherloc (09022015). Collection method: clinical testing. Allele origin: germline.
Comment: This sequence change replaces lysine, which is basic and polar, with glutamine, which is neutral and polar, at codon 96 of the CDKN1B protein (p.Lys96Gln). This variant is not present in population databases (gnomAD no frequency). This missense change has been observed in individual(s) with clinical features of CDKN1B-related conditions (PMID: 22291433). An algorithm developed to predict the effect of missense changes on protein structure and function (PolyPhen-2) suggests that this variant is likely to be disruptive. Experimental studies have shown that this missense change affects CDKN1B function (PMID: 22291433). In summary, the available evidence is currently insufficient to determine the role of this variant in disease. Therefore, it has been classified as a Variant of Uncertain Significance.

Literature cited by the submitters: PubMed 22291433.